The following is an entry in ClinVar:

ClinVar aggregate classification (germline): Uncertain significance (1 of 4 stars; one submission).

Submission:

Labcorp Genetics (formerly Invitae), Labcorp
Classification: Uncertain significance. Last evaluated: 2023-01-12. Review status: criteria provided, single submitter. Criteria: Invitae Variant Classification Sherloc (09022015). Collection method: clinical testing. Allele origin: germline.
Comment: In summary, the available evidence is currently insufficient to determine the role of this variant in disease. Therefore, it has been classified as a Variant of Uncertain Significance. Variants that disrupt the consensus splice site are a relatively common cause of aberrant splicing (PMID: 17576681, 9536098). Algorithms developed to predict the effect of sequence changes on RNA splicing suggest that this variant is not likely to affect RNA splicing. This variant has not been reported in the literature in individuals affected with ALPK1-related conditions. This variant is not present in population databases (gnomAD no frequency). This sequence change falls in intron 11 of the ALPK1 gene. It does not directly change the encoded amino acid sequence of the ALPK1 protein. It affects a nucleotide within the consensus splice site.

Literature cited by the submitters: PubMed 17576681; PubMed 9536098.

NM_025144.4(ALPK1):c.3034+3A>G

Gene: ALPK1 (alpha kinase 1; plus strand). Cytogenetic location: 4q25.
Variant type: single nucleotide variant.
Coding change: c.3034+3A>G on transcript NM_025144.4 (MANE Select); 3 bases into the intron after coding-DNA position 3034, A replaced by G.
Molecular consequence: intron variant.
Genome position (GRCh38, 1-based): chr4:112,432,584, A>G. VCF-style: chr4-112432584-A-G. GRCh37 (hg19) VCF-style: chr4-113353740-A-G.
Other names: c.3034+3A>G (NM_001102406.2); c.2800+3A>G (NM_001253884.2).
Identifiers: ClinVar variation 2827925 (VCV002827925.3), dbSNP rs2476508019, ClinGen allele CA2739270244.